The following is an entry in ClinVar:

ClinVar aggregate classification (germline): Pathogenic (1 of 4 stars; one submission).

Conditions:
ALG1-congenital disorder of glycosylation. Also called: ALG1-CDG; CONGENITAL DISORDER OF GLYCOSYLATION, TYPE Ik; CDG Ik. Identifiers: Orphanet 79327, MedGen C2931005, MONDO:0012052, OMIM 608540.

Submission:

Labcorp Genetics (formerly Invitae), Labcorp
Classification: Pathogenic for ALG1-congenital disorder of glycosylation. Last evaluated: 2018-12-16. Review status: criteria provided, single submitter. Criteria: Invitae Variant Classification Sherloc (09022015). Collection method: clinical testing. Allele origin: germline.
Comment: This sequence change creates a premature translational stop signal (p.Leu355Cysfs*3) in the ALG1 gene. It is expected to result in an absent or disrupted protein product. For these reasons, this variant has been classified as Pathogenic. Loss-of-function variants in ALG1 are known to be pathogenic (PMID: 20679665, 23806237). This variant has not been reported in the literature in individuals with ALG1-related conditions. The frequency data for this variant in the population databases is considered unreliable, as metrics indicate poor data quality at this position in the ExAC database.

Literature cited by the submitters: PubMed 20679665; PubMed 23806237.

NM_019109.5(ALG1):c.1063del (p.Leu355fs)

Gene: ALG1 (ALG1 chitobiosyldiphosphodolichol beta-mannosyltransferase; plus strand). Cytogenetic location: 16p13.3.
Variant type: Deletion.
Coding change: c.1063del on transcript NM_019109.5 (MANE Select); coding-DNA position 1063, one base deleted (C; older notation c.1063delC).
Protein change: p.Leu355fs; shifts the reading frame from leucine 355.
Molecular consequence: frameshift variant.
Genome position (GRCh38, 1-based): chr16:5,081,047, C deleted; the last of 5 consecutive C bases (chr16:5,081,043-5,081,047); deleting any one gives the same sequence. VCF-style (leftmost placement, unchanged base first): chr16-5081042-AC-A. GRCh37 (hg19) VCF-style: chr16-5131043-AC-A.
Other names: c.730del, p.Leu244fs (NM_001330504.2); short protein forms L244fs, L355fs.
Identifiers: ClinVar variation 653599 (VCV000653599.6), dbSNP rs758259853, ClinGen allele CA7890179.